The following is an entry in ClinVar:

ClinVar aggregate classification (germline): Uncertain significance (1 of 4 stars; one submission).

Conditions:
Renal carnitine transport defect (CDSP). Also called: Primary carnitine deficiency; Systemic primary carnitine deficiency; Carnitine transporter deficiency; Carnitine Deficiency, Systemic; Systemic primary carnitine deficiency disease; CARNITINE DEFICIENCY, SYSTEMIC, DUE TO DEFECT IN RENAL REABSORPTION OF CARNITINE. Identifiers: Orphanet 158, MedGen C0342788, MONDO:0008919, OMIM 212140.

Submission:

Labcorp Genetics (formerly Invitae), Labcorp
Classification: Uncertain significance for Renal carnitine transport defect. Last evaluated: 2024-03-11. Review status: criteria provided, single submitter. Criteria: Invitae Variant Classification Sherloc (09022015). Collection method: clinical testing. Allele origin: germline.
Comment: This sequence change replaces alanine, which is neutral and non-polar, with serine, which is neutral and polar, at codon 90 of the SLC22A5 protein (p.Ala90Ser). This variant is not present in population databases (gnomAD no frequency). This variant has not been reported in the literature in individuals affected with SLC22A5-related conditions. ClinVar contains an entry for this variant (Variation ID: 1931621). Advanced modeling of protein sequence and biophysical properties (such as structural, functional, and spatial information, amino acid conservation, physicochemical variation, residue mobility, and thermodynamic stability) performed at Invitae indicates that this missense variant is not expected to disrupt SLC22A5 protein function with a negative predictive value of 95%. In summary, the available evidence is currently insufficient to determine the role of this variant in disease. Therefore, it has been classified as a Variant of Uncertain Significance.

NM_003060.4(SLC22A5):c.268G>T (p.Ala90Ser)

Gene: SLC22A5 (solute carrier family 22 member 5; plus strand). Cytogenetic location: 5q31.1.
Variant type: single nucleotide variant.
Coding change: c.268G>T on transcript NM_003060.4 (MANE Select); coding-DNA position 268, G replaced by T.
Protein change: p.Ala90Ser; replaces alanine 90 with serine.
Molecular consequence: missense variant.
Genome position (GRCh38, 1-based): chr5:132,370,240, G>T. VCF-style: chr5-132370240-G-T. GRCh37 (hg19) VCF-style: chr5-131705932-G-T.
Other names: c.268G>T, p.Ala90Ser (NM_001308122.2); short protein forms A90S.
Identifiers: ClinVar variation 1931621 (VCV001931621.4), dbSNP rs759221037, ClinGen allele CA360802705.